The following is an entry in ClinVar:

NM_001001957.2(OR2W3):c.339G>A (p.Leu113=)

Gene: OR2W3 (olfactory receptor family 2 subfamily W member 3; plus strand). Cytogenetic location: 1q44.
Variant type: single nucleotide variant.
Coding change: c.339G>A on transcript NM_001001957.2 (MANE Select); coding-DNA position 339, G replaced by A.
Protein change: p.Leu113=; no amino-acid change (leucine 113 retained).
Molecular consequence: synonymous variant.
Genome position (GRCh38, 1-based): chr1:247,895,925, G>A. VCF-style: chr1-247895925-G-A. GRCh37 (hg19) VCF-style: chr1-248059227-G-A.
Identifiers: ClinVar variation 4722933 (VCV004722933.1).

ClinVar aggregate classification (germline): Uncertain significance (1 of 4 stars; one submission).

Submission:

Labcorp Genetics (formerly Invitae), Labcorp
Classification: Uncertain significance. Last evaluated: 2025-07-14. Review status: criteria provided, single submitter. Criteria: Invitae Variant Classification Sherloc (09022015). Collection method: clinical testing. Allele origin: germline.
Comment: This sequence change affects codon 113 of the OR2W3 mRNA. It is a 'silent' change, meaning that it does not change the encoded amino acid sequence of the OR2W3 protein. This variant is not present in population databases (gnomAD no frequency). This variant has not been reported in the literature in individuals affected with OR2W3-related conditions. In summary, the available evidence is currently insufficient to determine the role of this variant in disease. Therefore, it has been classified as a Variant of Uncertain Significance.